The following is an entry in ClinVar:

NM_153676.4(USH1C):c.37-45C>G

Gene: USH1C (USH1 protein network component harmonin; minus strand). Cytogenetic location: 11p15.1.
Variant type: single nucleotide variant.
Coding change: c.37-45C>G on transcript NM_153676.4 (MANE Select); 45 bases into the intron before coding-DNA position 37, C replaced by G.
Molecular consequence: intron variant.
Genome position (GRCh38, 1-based): chr11:17,533,367, G>C on the plus strand (C>G on the coding strand, the complement: USH1C is on the minus strand). VCF-style: chr11-17533367-G-C. GRCh37 (hg19) VCF-style: chr11-17554914-G-C.
Other names: c.37-45C>G (NM_001297764.2, NM_005709.4).
Identifiers: ClinVar variation 262734 (VCV000262734.6), dbSNP rs2240489, ClinGen allele CA5905246.
Genomic context (GRCh38, chr11:17,533,367, plus strand): 5'-CAATCAGAAAATCCACCTGGAAAATCCAATAGCAGAATCACAGCTCCAGGCTCAGCACCC[G>C]CCCCCATAGCAGACCTCAGGGAGGAGAGGTCATCCCCAAGGGCCTCCCCAGCAGCTTTTC-3'

ClinVar aggregate classification (germline): Benign. Review status: criteria provided, multiple submitters, no conflicts (2 of 4 stars). 5 submissions from 4 submitters: Benign (5). Last evaluated 2021-07-10.

Conditions:
Usher syndrome type 1C. Also called: USHER SYNDROME, TYPE I, ACADIAN VARIETY. Identifiers: Orphanet 231169, Orphanet 886, MedGen C1848604, MONDO:0010171, OMIM 276904.
Autosomal recessive nonsyndromic hearing loss 18A. Also called: Deafness, autosomal recessive 18A; DEAFNESS, AUTOSOMAL RECESSIVE 18. Identifiers: Orphanet 90636, MedGen C1865870, MONDO:0011192, OMIM 602092.

Allele frequency attached by ClinVar (database versions not stated): gnomAD 0.56124; TOPMed 0.58089; 1000 Genomes Project 0.60962.
gnomAD v4.1: 742,873 of 1,379,248 alleles (54%); highest among the groups gnomAD compares: African/African-American, 63%; 202,227 homozygotes.

Submissions (5):

Genome-Nilou Lab
Classification: Benign for Usher syndrome type 1C. Last evaluated: 2021-07-10. Review status: criteria provided, single submitter. Criteria: ACMG Guidelines, 2015. Collection method: clinical testing. Allele origin: germline. Affected: no.

Genome-Nilou Lab
Classification: Benign for Autosomal recessive nonsyndromic hearing loss 18A. Last evaluated: 2021-07-10. Review status: criteria provided, single submitter. Criteria: ACMG Guidelines, 2015. Collection method: clinical testing. Allele origin: germline. Affected: no.

GeneDx
Classification: Benign. Last evaluated: 2018-06-14. Review status: criteria provided, single submitter. Criteria: GeneDx Variant Classification (06012015). Collection method: clinical testing. Allele origin: germline. Affected: yes.
Comment: This variant is considered likely benign or benign based on one or more of the following criteria: it is a conservative change, it occurs at a poorly conserved position in the protein, it is predicted to be benign by multiple in silico algorithms, and/or has population frequency not consistent with disease.

Breakthrough Genomics
Classification: Benign. Review status: criteria provided, single submitter. Criteria: ACMG Guidelines, 2015. Collection method: not provided. Allele origin: germline. Inheritance: Autosomal recessive inheritance. Affected: yes.

PreventionGenetics, part of Exact Sciences
Classification: Benign. Review status: criteria provided, single submitter. Criteria: ACMG Guidelines, 2015. Collection method: clinical testing. Allele origin: germline.